The following is an entry in ClinVar:

NM_000031.6(ALAD):c.398-13A>G

Gene: ALAD (aminolevulinate dehydratase; minus strand). Cytogenetic location: 9q32.
Variant type: single nucleotide variant.
Coding change: c.398-13A>G on transcript NM_000031.6 (MANE Select); 13 bases into the intron before coding-DNA position 398, A replaced by G.
Molecular consequence: intron variant.
Genome position (GRCh38, 1-based): chr9:113,390,689, T>C on the plus strand (A>G on the coding strand, the complement: ALAD is on the minus strand). VCF-style: chr9-113390689-T-C. GRCh37 (hg19) VCF-style: chr9-116152969-T-C.
Other names: p.?; c.485-13A>G (NM_001003945.3); c.374-13A>G (NM_001317745.2).
Identifiers: ClinVar variation 912356 (VCV000912356.14), dbSNP rs34009418, ClinGen allele CA5196499.
Genomic context (GRCh38, chr9:113,390,689, plus strand): 5'-GCTGGCGGCTCTCCTCAGCCCGGAATGCTCCGTTTTCACTCAGGAGCCCTTCAGGACAGA[T>C]GACTGGGTTTTGGGGAGCACCTTGGGCCCTGGCCTGTCCCCACCCTGTTGAGAAGTGGGC-3'

ClinVar aggregate classification (germline): Benign. Review status: criteria provided, multiple submitters, no conflicts (2 of 4 stars). 4 submissions from 4 submitters: Benign (4). Last evaluated 2025-12-23.

Conditions:
Porphobilinogen synthase deficiency. Also called: ALAD DEFICIENCY; DELTA-AMINOLEVULINATE DEHYDRATASE DEFICIENCY; DOSS PORPHYRIA; PORPHYRIA, ALAD; Porphyria due to ALA dehydratase deficiency. Identifiers: Orphanet 100924, MedGen C0268328, MONDO:0013000, OMIM 612740.

Allele frequency attached by ClinVar (database versions not stated): gnomAD exomes 0.00099 and 0.00244; ExAC 0.00306; 1000 Genomes Project 0.00899; 1000 Genomes Project 30x 0.00906; ESP Exome Variant Server 0.00953; gnomAD 0.00987 and 0.01082; TOPMed 0.01162.
gnomAD v4.1: 3,030 of 1,612,620 alleles (0.19%); highest among the groups gnomAD compares: African/African-American, 3.5%; 39 homozygotes.

Submissions (4):

Labcorp Genetics (formerly Invitae), Labcorp
Classification: Benign. Last evaluated: 2025-12-23. Review status: criteria provided, single submitter. Criteria: Invitae Variant Classification Sherloc (09022015). Collection method: clinical testing. Allele origin: germline.

Mayo Clinic Laboratories, Mayo Clinic
Classification: Benign. Last evaluated: 2023-02-07. Review status: criteria provided, single submitter. Criteria: ACMG Guidelines, 2015. Collection method: clinical testing. Allele origin: germline. Observed: 7 variant alleles.
Comment: BS1, BP4

Illumina Laboratory Services, Illumina
Classification: Benign for Porphobilinogen synthase deficiency. Last evaluated: 2018-01-12. Review status: criteria provided, single submitter. Criteria: ICSL Variant Classification Criteria 13 December 2019. Collection method: clinical testing. Allele origin: germline.
Comment: This variant was observed in the ICSL laboratory as part of a predisposition screen in an ostensibly healthy population. It had not been previously curated by ICSL or reported in the Human Gene Mutation Database (HGMD: prior to June 1st, 2018), and was therefore a candidate for classification through an automated scoring system. Utilizing variant allele frequency, disease prevalence and penetrance estimates, and inheritance mode, an automated score was calculated to assess if this variant is too frequent to cause the disease. Based on the score and internal cut-off values, a variant classified as benign is not then subjected to further curation. The score for this variant resulted in a classification of benign for this disease.

Breakthrough Genomics
Classification: Benign. Review status: criteria provided, single submitter. Criteria: ACMG Guidelines, 2015. Collection method: not provided. Allele origin: germline. Inheritance: Autosomal recessive inheritance. Affected: yes.